The following is an entry in ClinVar:

ClinVar aggregate classification (germline): Uncertain significance (1 of 4 stars; one submission).

Conditions:
Inborn genetic diseases. Identifiers: MedGen C0950123, MeSH D030342.

Submission:

Ambry Genetics
Classification: Uncertain significance for Inborn genetic diseases. Last evaluated: 2025-05-31. Review status: criteria provided, single submitter. Criteria: Ambry Variant Classification Scheme 2023. Collection method: clinical testing. Allele origin: germline.
Comment: The p.A420V variant (also known as c.1259C>T), located in coding exon 12 of the ASXL1 gene, results from a C to T substitution at nucleotide position 1259. The alanine at codon 420 is replaced by valine, an amino acid with similar properties. This amino acid position is conserved. In addition, this alteration is predicted to be tolerated by in silico analysis. Based on the available evidence, the clinical significance of this variant remains unclear.

NM_015338.6(ASXL1):c.1259C>T (p.Ala420Val)

Gene: ASXL1 (ASXL transcriptional regulator 1; plus strand). Cytogenetic location: 20q11.21.
Variant type: single nucleotide variant.
Coding change: c.1259C>T on transcript NM_015338.6 (MANE Select); coding-DNA position 1259, C replaced by T.
Protein change: p.Ala420Val; replaces alanine 420 with valine.
Molecular consequence: missense variant.
Genome position (GRCh38, 1-based): chr20:32,433,457, C>T. VCF-style: chr20-32433457-C-T. GRCh37 (hg19) VCF-style: chr20-31021260-C-T.
Other names: c.1076C>T, p.Ala359Val (NM_001363734.1); short protein forms A359V, A420V.
Identifiers: ClinVar variation 3957421 (VCV003957421.1).